The following is an entry in ClinVar:

NM_020774.4(MIB1):c.2522C>T (p.Ser841Phe)

Gene: MIB1 (MIB E3 ubiquitin protein ligase 1; plus strand). Cytogenetic location: 18q11.2.
Variant type: single nucleotide variant.
Coding change: c.2522C>T on transcript NM_020774.4 (MANE Select); coding-DNA position 2522, C replaced by T.
Protein change: p.Ser841Phe; replaces serine 841 with phenylalanine.
Molecular consequence: missense variant.
Genome position (GRCh38, 1-based): chr18:21,849,324, C>T. VCF-style: chr18-21849324-C-T. GRCh37 (hg19) VCF-style: chr18-19429285-C-T.
Other names: short protein forms S841F.
Identifiers: ClinVar variation 1792560 (VCV001792560.2), dbSNP rs138079123, ClinGen allele CA8908625.

ClinVar aggregate classification (germline): Uncertain significance (1 of 4 stars; one submission).

Conditions:
Inborn genetic diseases. Identifiers: MedGen C0950123, MeSH D030342.

Allele frequency attached by ClinVar (database versions not stated): TOPMed below 0.00001; gnomAD 0.00001; ESP Exome Variant Server 0.00008.
gnomAD v4.1: 2 of 1,612,974 alleles (0.00012%); highest among the groups gnomAD compares: African/African-American, 0.0027%; no homozygotes.

Submission:

Ambry Genetics
Classification: Uncertain significance for Inborn genetic diseases. Last evaluated: 2022-04-03. Review status: criteria provided, single submitter. Criteria: Ambry Variant Classification Scheme 2023. Collection method: clinical testing. Allele origin: germline.
Comment: The p.S841F variant (also known as c.2522C>T), located in coding exon 17 of the MIB1 gene, results from a C to T substitution at nucleotide position 2522. The serine at codon 841 is replaced by phenylalanine, an amino acid with highly dissimilar properties. This amino acid position is conserved. In addition, this alteration is predicted to be deleterious by in silico analysis. Since supporting evidence is limited at this time, the clinical significance of this alteration remains unclear.